The following is an entry in ClinVar:

NM_145068.4(TRPV3):c.1242+1G>T

Gene: TRPV3 (transient receptor potential cation channel subfamily V member 3; minus strand). Cytogenetic location: 17p13.2.
Variant type: single nucleotide variant.
Coding change: c.1242+1G>T on transcript NM_145068.4 (MANE Select); the canonical splice donor site of the intron after coding-DNA position 1242, G replaced by T.
Molecular consequence: splice donor variant.
Genome position (GRCh38, 1-based): chr17:3,530,026, C>A on the plus strand (G>T on the coding strand, the complement: TRPV3 is on the minus strand). VCF-style: chr17-3530026-C-A. GRCh37 (hg19) VCF-style: chr17-3433320-C-A.
Other names: c.1242+1G>T (NM_001258205.2).
Identifiers: ClinVar variation 2842328 (VCV002842328.3), dbSNP rs369153784, ClinGen allele CA397684000.

ClinVar aggregate classification (germline): Uncertain significance (1 of 4 stars; one submission).

gnomAD v4.1: 1 of 1,610,938 alleles (0.000062%); highest among the groups gnomAD compares: Non-Finnish European, 0.000085%; no homozygotes.

Submission:

Labcorp Genetics (formerly Invitae), Labcorp
Classification: Uncertain significance. Last evaluated: 2023-08-23. Review status: criteria provided, single submitter. Criteria: Invitae Variant Classification Sherloc (09022015). Collection method: clinical testing. Allele origin: germline.
Comment: In summary, the available evidence is currently insufficient to determine the role of this variant in disease. Therefore, it has been classified as a Variant of Uncertain Significance. This variant is not present in population databases (gnomAD no frequency). This sequence change affects a donor splice site in intron 9 of the TRPV3 gene. It is expected to disrupt RNA splicing. Variants that disrupt the donor or acceptor splice site typically lead to a loss of protein function (PMID: 16199547), however the current clinical and genetic evidence is not sufficient to establish whether loss-of-function variants in TRPV3 cause disease. This variant has not been reported in the literature in individuals affected with TRPV3-related conditions. Algorithms developed to predict the effect of sequence changes on RNA splicing suggest that this variant may disrupt the consensus splice site.

Literature cited by the submitters: PubMed 16199547.